The following is an entry in ClinVar:

ClinVar aggregate classification (germline): Conflicting classifications of pathogenicity. Review status: criteria provided, conflicting classifications (1 of 4 stars). 2 submissions from 2 submitters: Likely pathogenic (1); Uncertain significance (1). Last evaluated 2021-06-18.

Conditions:
STING-associated vasculopathy with onset in infancy. Also called: Sting-associated vasculopathy, infantile-onset. Identifiers: Orphanet 425120, MedGen C4014722, MONDO:0014405, OMIM 615934.

Submissions (2):

Blueprint Genetics
Classification: Uncertain significance. Last evaluated: 2021-06-18. Review status: criteria provided, single submitter. Criteria: ACMG Guidelines, 2015. Collection method: clinical testing. Allele origin: germline.

Rady Children's Institute for Genomic Medicine, Rady Children's Hospital San Diego
Classification: Likely pathogenic for STING-associated vasculopathy with onset in infancy. Review status: criteria provided, single submitter. Criteria: ACMG Guidelines, 2015. Collection method: clinical testing. Allele origin: germline. Affected: yes.
Comment: This variant has not been previously reported or functionally characterized in the literature to our knowledge. However, variants at an adjacent amino acid, c.616T>G (p.Cys206Gly) and c.617G>A (p.Cys206Tyr), have been reported in the heterozygous de novo state in two individuals with features of STING-associated vasculopathy (PMID: 28968819, 28087229). It is absent from the gnomAD population database and thus is presumed to be rare. The c.614A>G (p.Asp205Gly) variant is predicted by multiple in silico tools to have a benign effect on protein function. Analysis of the parental samples was negative for the variant, indicating this variant likely occurred as a de novo event. Based on the available evidence, the c.614A>G (p.Asp205Gly) variant is classified as Likely Pathogenic.

NM_198282.4(STING1):c.614A>G (p.Asp205Gly)

Gene: STING1 (stimulator of interferon response cGAMP interactor 1; minus strand). Cytogenetic location: 5q31.2.
Variant type: single nucleotide variant.
Coding change: c.614A>G on transcript NM_198282.4 (MANE Select); coding-DNA position 614, A replaced by G.
Protein change: p.Asp205Gly; replaces aspartic acid 205 with glycine.
Molecular consequence: missense variant.
Genome position (GRCh38, 1-based): chr5:139,478,415, T>C on the plus strand (A>G on the coding strand, the complement: STING1 is on the minus strand). VCF-style: chr5-139478415-T-C. GRCh37 (hg19) VCF-style: chr5-138858000-T-C.
Other names: c.614A>G, p.Asp205Gly (NM_001301738.2); c.257A>G, p.Asp86Gly (NM_001367258.1); short protein forms D205G, D86G.
Identifiers: ClinVar variation 2584430 (VCV002584430.2), dbSNP rs2547063045, ClinGen allele CA361480172.